The following is an entry in ClinVar:

NM_020686.6(ABAT):c.*2545C>T

Gene: ABAT (4-aminobutyrate aminotransferase; plus strand). Cytogenetic location: 16p13.2.
Variant type: single nucleotide variant.
Coding change: c.*2545C>T on transcript NM_020686.6 (MANE Select); 2545 bases downstream of the stop codon, C replaced by T.
Molecular consequence: 3 prime UTR variant.
Genome position (GRCh38, 1-based): chr16:8,783,975, C>T. VCF-style: chr16-8783975-C-T. GRCh37 (hg19) VCF-style: chr16-8877832-C-T.
Other names: c.*2545C>T (NM_000663.5, NM_001127448.2, NM_001386600.1 and 14 more transcripts); c.*2559C>T (NM_001386609.1, NM_001386616.1).
Identifiers: ClinVar variation 321144 (VCV000321144.6), dbSNP rs8275, ClinGen allele CA10648243.

ClinVar aggregate classification (germline): Benign. Review status: criteria provided, multiple submitters, no conflicts (2 of 4 stars). 2 submissions from 2 submitters: Benign (2). Last evaluated 2018-01-13.

Conditions:
Gamma-aminobutyric acid transaminase deficiency (GABATD). Also called: GABA aminotransaminase deficiency; GABA transaminase deficiency; Gamma aminobutyrate transaminase deficiency; 4 alpha aminobutyrate transaminase deficiency. Identifiers: Orphanet 2066, MedGen C0342708, MONDO:0013166, OMIM 613163.

Allele frequency attached by ClinVar (database versions not stated): gnomAD 0.14070 and 0.14329; TOPMed 0.14395; 1000 Genomes Project 30x 0.17364; 1000 Genomes Project 0.17712.

Submissions (2):

Illumina Laboratory Services, Illumina
Classification: Benign for Gamma-aminobutyric acid transaminase deficiency. Last evaluated: 2018-01-13. Review status: criteria provided, single submitter. Criteria: ICSL Variant Classification Criteria 13 December 2019. Collection method: clinical testing. Allele origin: germline.
Comment: This variant was observed in the ICSL laboratory as part of a predisposition screen in an ostensibly healthy population. It had not been previously curated by ICSL or reported in the Human Gene Mutation Database (HGMD: prior to June 1st, 2018), and was therefore a candidate for classification through an automated scoring system. Utilizing variant allele frequency, disease prevalence and penetrance estimates, and inheritance mode, an automated score was calculated to assess if this variant is too frequent to cause the disease. Based on the score and internal cut-off values, a variant classified as benign is not then subjected to further curation. The score for this variant resulted in a classification of benign for this disease.

Breakthrough Genomics
Classification: Benign. Review status: criteria provided, single submitter. Criteria: ACMG Guidelines, 2015. Collection method: not provided. Allele origin: germline. Inheritance: Autosomal recessive inheritance. Affected: yes.